The following is an entry in ClinVar:

ClinVar aggregate classification (germline): Pathogenic. Review status: criteria provided, multiple submitters, no conflicts (2 of 4 stars). 5 submissions from 5 submitters: Pathogenic (4). 1 of the submissions does not count toward it. Last evaluated 2026-02-01.

Conditions:
Neuromuscular disease caused by qualitative or quantitative defects of dysferlin. Also called: Dysferlinopathy; Qualitative or quantitative defects of dysferlin. Identifiers: Orphanet 207073, MedGen C2931687, MONDO:0016145.
Autosomal recessive limb-girdle muscular dystrophy type 2B (LGMDR2). Also called: MUSCULAR DYSTROPHY, LIMB-GIRDLE, AUTOSOMAL RECESSIVE 2; Limb-girdle muscular dystrophy, type 2B; MUSCULAR DYSTROPHY, LIMB-GIRDLE, TYPE 3; Limb-Girdle Muscular Dystrophy Type 2B (LGMD2B). Identifiers: Orphanet 268, MedGen C1850889, MONDO:0009676, OMIM 253601.
Miyoshi muscular dystrophy 1 (MMD1). Identifiers: Orphanet 45448, MedGen C4551973, MONDO:0024545, OMIM 254130.

Allele frequency attached by ClinVar (database versions not stated): gnomAD exomes below 0.00001; TOPMed below 0.00001; ExAC 0.00001; gnomAD 0.00001.
gnomAD v4.1: 2 of 1,613,204 alleles (0.00012%); highest among the groups gnomAD compares: Admixed American, 0.0017%; no homozygotes.

Submissions (5):

Labcorp Genetics (formerly Invitae), Labcorp
Classification: Pathogenic for Neuromuscular disease caused by qualitative or quantitative defects of dysferlin. Last evaluated: 2026-02-01. Review status: criteria provided, single submitter. Criteria: Invitae Variant Classification Sherloc (09022015). Collection method: clinical testing. Allele origin: germline.
Comment: This sequence change creates a premature translational stop signal (p.Glu1269*) in the DYSF gene. It is expected to result in an absent or disrupted protein product. Loss-of-function variants in DYSF are known to be pathogenic (PMID: 17698709, 20301480). This variant is present in population databases (rs763674597, gnomAD 0.0009%). This premature translational stop signal has been observed in individual(s) with DYSF-related conditions (PMID: 17070050). ClinVar contains an entry for this variant (Variation ID: 558274). For these reasons, this variant has been classified as Pathogenic.

Natera, Inc.
Classification: Pathogenic for Limb-girdle muscular dystrophy type 2B. Last evaluated: 2024-12-02. Review status: criteria provided, single submitter. Criteria: Natera Variant Classification Schema (03/2026). Collection method: clinical testing. Allele origin: germline.
Comment: The c.3805G>T variant in DYSF is a nonsense variant predicted to introduce a stop codon at amino acid 1269. This variant is expected to result in nonsense mediated decay, truncation, or a dysfunctional protein product. This variant is rare in the general population with a frequency below the threshold expected for the associated phenotype(s). This variant has been observed in one or more individuals affected with the associated recessive disease, as either homozygous or compound heterozygous with a second variant (PMID: 17070050, 33927379). Given the available evidence, this variant is classified as Pathogenic.

Baylor Genetics
Classification: Pathogenic for Miyoshi muscular dystrophy 1. Last evaluated: 2024-03-16. Review status: criteria provided, single submitter. Criteria: ACMG Guidelines, 2015. Collection method: clinical testing. Allele origin: unknown.

Revvity Omics, Revvity
Classification: Pathogenic. Last evaluated: 2020-11-18. Review status: criteria provided, single submitter. Criteria: ACMG Guidelines, 2015. Collection method: clinical testing. Allele origin: germline.

Counsyl
Classification: Pathogenic for Autosomal recessive limb-girdle muscular dystrophy type 2B. Last evaluated: 2018-05-09. Review status: no assertion criteria provided. Collection method: clinical testing. Allele origin: unknown. Not counted in ClinVar's aggregate classification.

Literature cited by the submitters: PubMed 17698709 (cited by Labcorp Genetics (formerly Invitae), Labcorp); PubMed 20301480 (cited by Labcorp Genetics (formerly Invitae), Labcorp); PubMed 17070050 (cited by 3 submitters); PubMed 33927379 (cited by Natera, Inc.).

NM_001130987.2(DYSF):c.3859G>T (p.Glu1287Ter)

Gene: DYSF (dysferlin; plus strand). Cytogenetic location: 2p13.2.
Variant type: single nucleotide variant.
Coding change: c.3859G>T on transcript NM_001130987.2 (MANE Select); coding-DNA position 3859, G replaced by T.
Protein change: p.Glu1287Ter; replaces glutamic acid 1287 with a stop codon.
Molecular consequence: nonsense.
Genome position (GRCh38, 1-based): chr2:71,600,804, G>T. VCF-style: chr2-71600804-G-T. GRCh37 (hg19) VCF-style: chr2-71827934-G-T.
Other names: c.3808G>T, p.Glu1270Ter (NM_001130455.2, NM_001130983.2); c.3763G>T, p.Glu1255Ter (NM_001130976.2, NM_001130977.2); c.3805G>T, p.Glu1269Ter (NM_001130978.2, NM_003494.4); c.3898G>T, p.Glu1300Ter (NM_001130979.2); c.3856G>T, p.Glu1286Ter (NM_001130980.2, NM_001130981.2); c.3901G>T, p.Glu1301Ter (NM_001130982.2); c.3766G>T, p.Glu1256Ter (NM_001130984.2, NM_001130986.2); c.3859G>T, p.Glu1287Ter (NM_001130985.2); short protein forms E1287*, E1269*, E1300*, E1256*, E1270*, E1301*, E1255*, E1286*.
Identifiers: ClinVar variation 558274 (VCV000558274.14), dbSNP rs763674597, ClinGen allele CA1706733.